The following is an entry in ClinVar:

NM_001367624.2(ZNF469):c.2743G>T (p.Asp915Tyr)

Gene: ZNF469 (zinc finger protein 469; plus strand). Cytogenetic location: 16q24.2.
Variant type: single nucleotide variant.
Coding change: c.2743G>T on transcript NM_001367624.2 (MANE Select); coding-DNA position 2743, G replaced by T.
Protein change: p.Asp915Tyr; replaces aspartic acid 915 with tyrosine.
Molecular consequence: missense variant.
Genome position (GRCh38, 1-based): chr16:88,430,213, G>T. VCF-style: chr16-88430213-G-T. GRCh37 (hg19) VCF-style: chr16-88496621-G-T.
Other names: NM_001127464.1:c.2743G>T; short protein forms D915Y.
Identifiers: ClinVar variation 3987299 (VCV003987299.1).

ClinVar aggregate classification (germline): Uncertain significance (1 of 4 stars; one submission).

Conditions:
Cardiovascular phenotype. Identifiers: MedGen CN230736.

Submission:

Ambry Genetics
Classification: Uncertain significance for Cardiovascular phenotype. Last evaluated: 2025-03-25. Review status: criteria provided, single submitter. Criteria: Ambry Variant Classification Scheme 2023. Collection method: clinical testing. Allele origin: germline.
Comment: The p.D915Y variant (also known as c.2743G>T), located in coding exon 1 of the ZNF469 gene, results from a G to T substitution at nucleotide position 2743. The aspartic acid at codon 915 is replaced by tyrosine, an amino acid with highly dissimilar properties. This amino acid position is conserved. In addition, this alteration is predicted to be tolerated by in silico analysis. Based on the available evidence, the clinical significance of this variant remains unclear.